The following is an entry in ClinVar:

NM_000359.3(TGM1):c.168G>A (p.Ala56=)

Gene: TGM1 (transglutaminase 1; minus strand). Cytogenetic location: 14q12.
Variant type: single nucleotide variant.
Coding change: c.168G>A on transcript NM_000359.3 (MANE Select); coding-DNA position 168, G replaced by A.
Protein change: p.Ala56=; no amino-acid change (alanine 56 retained).
Molecular consequence: synonymous variant.
Genome position (GRCh38, 1-based): chr14:24,262,185, C>T on the plus strand (G>A on the coding strand, the complement: TGM1 is on the minus strand). VCF-style: chr14-24262185-C-T. GRCh37 (hg19) VCF-style: chr14-24731391-C-T.
Identifiers: ClinVar variation 312995 (VCV000312995.52), dbSNP rs79251149, ClinGen allele CA7131527.

ClinVar aggregate classification (germline): Benign/Likely benign. Review status: criteria provided, multiple submitters, no conflicts (2 of 4 stars). 8 submissions from 8 submitters: Benign (4); Likely benign (3). 1 of the submissions does not count toward it. Last evaluated 2026-05-23.

Conditions:
TGM1-related disorder. Also called: TGM1-related condition.
Autosomal recessive congenital ichthyosis 1 (LI1). Also called: ICHTHYOSIS CONGENITA; ICHTHYOSIS CONGENITA II; LAMELLAR EXFOLIATION OF NEWBORN; COLLODION FETUS; DESQUAMATION OF NEWBORN; ICHTHYOSIS, CONGENITAL, AUTOSOMAL RECESSIVE 1, WITH BATHING SUIT DISTRIBUTION. Identifiers: MedGen C4551630, MONDO:0009441, OMIM 242300.

Allele frequency attached by ClinVar (database versions not stated): gnomAD exomes 0.00051 and 0.00117; ExAC 0.00152; gnomAD 0.00420 and 0.00439; TOPMed 0.00486; ESP Exome Variant Server 0.00507; 1000 Genomes Project 30x 0.00593; 1000 Genomes Project 0.00619.

Submissions (8):

PreventionGenetics, part of Exact Sciences
Classification: Benign for TGM1-related condition. Last evaluated: 2026-05-23. Review status: criteria provided, single submitter. Criteria: ACMG Guidelines, 2015. Collection method: clinical testing. Allele origin: germline.
Comment: This variant is classified as benign based on ACMG/AMP sequence variant interpretation guidelines (Richards et al. 2015 PMID: 25741868, with internal and published modifications).

Labcorp Genetics (formerly Invitae), Labcorp
Classification: Benign. Last evaluated: 2026-01-31. Review status: criteria provided, single submitter. Criteria: Invitae Variant Classification Sherloc (09022015). Collection method: clinical testing. Allele origin: germline.

Blueprint Genetics
Classification: Likely benign. Last evaluated: 2024-11-13. Review status: criteria provided, single submitter. Criteria: ACMG Guidelines, 2015. Collection method: clinical testing. Allele origin: germline.

CeGaT Center for Human Genetics Tuebingen
Classification: Benign. Last evaluated: 2023-01-01. Review status: criteria provided, single submitter. Criteria: CeGaT Center For Human Genetics Tuebingen Variant Classification Criteria Version 2. Collection method: clinical testing. Allele origin: germline. Affected: yes. Observed: 3 variant alleles.
Comment: TGM1: BP4, BP7, BS1, BS2

Illumina Laboratory Services, Illumina
Classification: Likely benign for Autosomal recessive congenital ichthyosis 1. Last evaluated: 2018-01-12. Review status: criteria provided, single submitter. Criteria: ICSL Variant Classification Criteria 13 December 2019. Collection method: clinical testing. Allele origin: germline.
Comment: This variant was observed in the ICSL laboratory as part of a predisposition screen in an ostensibly healthy population. It had not been previously curated by ICSL or reported in the Human Gene Mutation Database (HGMD: prior to June 1st, 2018), and was therefore a candidate for classification through an automated scoring system. Utilizing variant allele frequency, disease prevalence and penetrance estimates, and inheritance mode, an automated score was calculated to assess if this variant is too frequent to cause the disease. Based on the score and internal cut-off values, a variant classified as likely benign is not then subjected to further curation. The score for this variant resulted in a classification of likely benign for this disease.

Breakthrough Genomics
Classification: Likely benign. Review status: criteria provided, single submitter. Criteria: ACMG Guidelines, 2015. Collection method: not provided. Allele origin: germline. Inheritance: Autosomal recessive inheritance. Affected: yes.

Genome-Nilou Lab
Classification: Benign for Autosomal recessive congenital ichthyosis 1. Review status: criteria provided, single submitter. Criteria: ACMG Guidelines, 2015. Collection method: clinical testing. Allele origin: germline.

Natera, Inc.
Classification: Benign for Autosomal recessive congenital ichthyosis type 1. Last evaluated: 2019-11-11. Review status: no assertion criteria provided. Collection method: clinical testing. Allele origin: germline. Not counted in ClinVar's aggregate classification.